The following is an entry in ClinVar:

ClinVar aggregate classification (germline): Conflicting classifications of pathogenicity. Review status: criteria provided, conflicting classifications (1 of 4 stars). 3 submissions from 3 submitters: Uncertain significance (2); Likely benign (1). Last evaluated 2025-10-08.

Conditions:
Primary ciliary dyskinesia. Also called: Ciliary dyskinesia. Identifiers: Orphanet 244, MedGen C0008780, MONDO:0016575, HP:0012265.
DNAH5-related disorder. Also called: DNAH5-related condition.

Allele frequency attached by ClinVar (database versions not stated): ExAC 0.00002; gnomAD 0.00011; 1000 Genomes Project 30x 0.00016; 1000 Genomes Project 0.00020; TOPMed 0.00023.
gnomAD v4.1: 40 of 1,614,020 alleles (0.0025%); highest among the groups gnomAD compares: Admixed American, 0.028%; no homozygotes.

Submissions (3):

Labcorp Genetics (formerly Invitae), Labcorp
Classification: Likely benign for Primary ciliary dyskinesia. Last evaluated: 2025-10-08. Review status: criteria provided, single submitter. Criteria: Invitae Variant Classification Sherloc (09022015). Collection method: clinical testing. Allele origin: germline.

Ambry Genetics
Classification: Uncertain significance for Primary ciliary dyskinesia. Last evaluated: 2024-01-02. Review status: criteria provided, single submitter. Criteria: Ambry Variant Classification Scheme 2023. Collection method: clinical testing. Allele origin: germline.

PreventionGenetics, part of Exact Sciences
Classification: Uncertain significance for DNAH5-related condition. Last evaluated: 2023-03-29. Review status: criteria provided, single submitter. Criteria: ACMG Guidelines, 2015. Collection method: clinical testing. Allele origin: germline.
Comment: The DNAH5 c.12644C>T variant is predicted to result in the amino acid substitution p.Ala4215Val. To our knowledge, this variant has not been reported in the literature. This variant is reported in 0.0062% of alleles in individuals of African descent in gnomAD. At this time, the clinical significance of this variant is uncertain due to the absence of conclusive functional and genetic evidence.

NM_001369.3(DNAH5):c.12644C>T (p.Ala4215Val)

Gene: DNAH5 (dynein axonemal heavy chain 5; minus strand). Cytogenetic location: 5p15.2.
Variant type: single nucleotide variant.
Coding change: c.12644C>T on transcript NM_001369.3 (MANE Select); coding-DNA position 12644, C replaced by T.
Protein change: p.Ala4215Val; replaces alanine 4215 with valine.
Molecular consequence: missense variant.
Genome position (GRCh38, 1-based): chr5:13,717,376, G>A on the plus strand (C>T on the coding strand, the complement: DNAH5 is on the minus strand). VCF-style: chr5-13717376-G-A. GRCh37 (hg19) VCF-style: chr5-13717485-G-A.
Other names: c.12644C>T (NM_001369.2); short protein forms A4215V.
Identifiers: ClinVar variation 2163977 (VCV002163977.6), dbSNP rs200969063, ClinGen allele CA3201575.